The following is an entry in ClinVar:

ClinVar aggregate classification (germline): Likely benign. Review status: criteria provided, multiple submitters, no conflicts (2 of 4 stars). 2 submissions from 2 submitters: Likely benign (2). Last evaluated 2024-06-14.

Conditions:
Ataxia-telangiectasia syndrome (AT). Also called: ATAXIA-TELANGIECTASIA, COMPLEMENTATION GROUP A; ATAXIA-TELANGIECTASIA, FRESNO VARIANT; Ataxia-telangiectasia; Ataxia-telangiectasia, complementation group D; AT, COMPLEMENTATION GROUP C; Ataxia-telangiectasia, complementation group E. Identifiers: Orphanet 100, MedGen C0004135, MONDO:0008840, OMIM 208900.
Familial cancer of breast. Also called: Hereditary breast cancer; BREAST CANCER, FAMILIAL; hereditary breast carcinoma. Identifiers: Orphanet 227535, MedGen C0346153, MONDO:0016419, OMIM 114480. Disease mechanism: loss of function.

Submissions (2):

Myriad Genetics, Inc.
Classification: Likely benign for Familial cancer of breast. Last evaluated: 2024-06-14. Review status: criteria provided, single submitter. Criteria: Myriad Autosomal Dominant, Autosomal Recessive and X-Linked Classification Criteria (2023). Collection method: clinical testing. Allele origin: unknown.
Comment: This variant is considered likely benign. This variant is intronic and is not expected to impact mRNA splicing.

Labcorp Genetics (formerly Invitae), Labcorp
Classification: Likely benign for Ataxia-telangiectasia syndrome. Last evaluated: 2024-06-08. Review status: criteria provided, single submitter. Criteria: Invitae Variant Classification Sherloc (09022015). Collection method: clinical testing. Allele origin: germline.

NM_000051.4(ATM):c.7516-7del

Genes: C11orf65 (chromosome 11 open reading frame 65; minus strand), ATM (ATM serine/threonine kinase; plus strand). Cytogenetic location: 11q22.3.
Variant type: Deletion.
Coding change: c.7516-7del on transcript NM_000051.4 (MANE Select); 7 bases into the intron before coding-DNA position 7516, one base deleted (A; older notation c.7516-7delA).
Molecular consequence: intron variant. On other transcripts: non-coding transcript variant (1).
Genome position (GRCh38, 1-based): chr11:108,331,437, A deleted; the last of 2 consecutive A bases (chr11:108,331,436-108,331,437); deleting either gives the same sequence. VCF-style (leftmost placement, unchanged base first): chr11-108331435-TA-T. GRCh37 (hg19) VCF-style: chr11-108202162-TA-T.
Other names: c.7516-7del (NM_001351834.2); c.641-22365del (NM_001330368.2); c.*38+3784del (NM_001351110.2).
Identifiers: ClinVar variation 799248 (VCV000799248.11), dbSNP rs1591166840, ClinGen allele CA915948287.
Genomic context (GRCh38, chr11:108,331,435, plus strand): 5'-TACTTGCTTAGATGTGAGAATATTTGAAATACCTTGTTTCTTAATTTTGTGTCTTTTTTT[TA>T]ATGGTAGAGAGACGGAATGAAGATTCCAACATATAAATTTTTGCCTCTTATGTACCAATT-3'